The following is an entry in ClinVar:

ClinVar aggregate classification (germline): Uncertain significance (0 of 4 stars; one submission).

Conditions:
SLC16A12-related disorder. Also called: SLC16A12-related condition.

Submission:

PreventionGenetics, part of Exact Sciences
Classification: Uncertain significance for SLC16A12-related condition. Last evaluated: 2024-06-15. Review status: no assertion criteria provided. Collection method: clinical testing. Allele origin: germline.
Comment: The SLC16A12 c.1121C>A variant is predicted to result in the amino acid substitution p.Pro374His. To our knowledge, this variant has not been reported in the literature or in a large population database, indicating this variant is rare. At this time, the clinical significance of this variant is uncertain due to the absence of conclusive functional and genetic evidence.

NM_213606.4(SLC16A12):c.1121C>A (p.Pro374His)

Gene: SLC16A12 (solute carrier family 16 member 12; minus strand). Cytogenetic location: 10q23.31.
Variant type: single nucleotide variant.
Coding change: c.1121C>A on transcript NM_213606.4 (MANE Select); coding-DNA position 1121, C replaced by A.
Protein change: p.Pro374His; replaces proline 374 with histidine.
Molecular consequence: missense variant.
Genome position (GRCh38, 1-based): chr10:89,436,227, G>T on the plus strand (C>A on the coding strand, the complement: SLC16A12 is on the minus strand). VCF-style: chr10-89436227-G-T. GRCh37 (hg19) VCF-style: chr10-91195984-G-T.
Other names: short protein forms P374H.
Identifiers: ClinVar variation 3346776 (VCV003346776.1).
Genomic context (GRCh38, chr10:89,436,227, plus strand): 5'-ATCAAAGTCACATAGGCACCATCAAAGTAGCCAAAGGTACAAGAGAAAGGCACGAGCAGA[G>T]GGAGACTTTGAAGCATTGGGAGGCAGAGATAGCAGAGCCCATCCATTCCCACGGCAAAGA-3'
Protein context (NP_998771.3, residues 364-384): YLCLPMLQSL[Pro374His]LLVPFSCTFG